The following is an entry in ClinVar:

ClinVar aggregate classification (germline): Likely benign (1 of 4 stars; one submission).

Allele frequency attached by ClinVar (database versions not stated): ExAC 0.00001.
gnomAD v4.1: 28 of 1,614,204 alleles (0.0017%); highest among the groups gnomAD compares: African/African-American, 0.0027%; no homozygotes.

Submission:

CeGaT Center for Human Genetics Tuebingen
Classification: Likely benign. Last evaluated: 2022-07-01. Review status: criteria provided, single submitter. Criteria: CeGaT Center For Human Genetics Tuebingen Variant Classification Criteria Version 2. Collection method: clinical testing. Allele origin: germline. Affected: yes. Observed: 1 variant allele.
Comment: FANCA: BP4, BP7

NM_000135.4(FANCA):c.4260+32G>C

Genes: FANCA (FA complementation group A; minus strand), ZNF276 (zinc finger protein 276; plus strand). Cytogenetic location: 16q24.3.
Variant type: single nucleotide variant.
Coding change: c.4260+32G>C on transcript NM_000135.4 (MANE Select); 32 bases into the intron after coding-DNA position 4260, G replaced by C.
Molecular consequence: intron variant. On other transcripts: 3 prime UTR variant (2), non-coding transcript variant (4).
Genome position (GRCh38, 1-based): chr16:89,738,850, C>G on the plus strand (G>C on the coding strand, the complement: FANCA is on the minus strand). VCF-style: chr16-89738850-C-G. GRCh37 (hg19) VCF-style: chr16-89805258-C-G.
Other names: c.*604C>G (NM_001113525.2, NM_152287.4); c.4264+32G>C (NM_001286167.3).
Identifiers: ClinVar variation 2647135 (VCV002647135.24), dbSNP rs755531081, ClinGen allele CA8250652.
Genomic context (GRCh38, chr16:89,738,850, plus strand): 5'-GAGTTGTATTGCCAGCCAGGCAGGCACATGGCCCAGGCAGCTGTCAATTCTCATGTCCCC[C>G]ACATGGCCCAAGGTGGGCATCTTGACGTTACCTCTGCCACGTGTGAGAAGCTCTTTTTCG-3'